The following is an entry in ClinVar:

ClinVar aggregate classification (germline): Uncertain significance (1 of 4 stars; one submission).

Submission:

GeneDx
Classification: Uncertain significance. Last evaluated: 2026-02-10. Review status: criteria provided, single submitter. Criteria: GeneDx Variant Classification Process June 2021. Collection method: clinical testing. Allele origin: germline.
Comment: In-frame duplication of 1 amino acids in a non-repeat region; Has not been previously published as pathogenic or benign to our knowledge

NM_006659.4(TUBGCP2):c.2443_2445dup (p.Val815_Ser816insVal)

Gene: TUBGCP2 (tubulin gamma complex component 2; minus strand). Cytogenetic location: 10q26.3.
Variant type: Duplication.
Coding change: c.2443_2445dup on transcript NM_006659.4 (MANE Select); coding-DNA positions 2443 to 2445, 3 bases duplicated (GTG; older notation c.2443_2445dupGTG).
Protein change: p.Val815_Ser816insVal.
Molecular consequence: inframe insertion. On other transcripts: non-coding transcript variant (1).
Genome position (GRCh38, 1-based): chr10:133,281,401-133,281,403, CAC duplicated on the plus strand (GTG on the coding strand, the reverse complement: TUBGCP2 is on the minus strand); duplicating any 3 consecutive bases within chr10:133,281,401-133,281,405 gives the same sequence; the c. name uses the placement nearest the transcript's 3' end. VCF-style (leftmost placement, unchanged base first): chr10-133281400-A-ACAC. GRCh37 (hg19) VCF-style: chr10-135094904-A-ACAC.
Other names: c.2527_2529dup, p.Val843_Ser844insVal (NM_001256617.2); c.2053_2055dup, p.Val685_Ser686insVal (NM_001256618.2).
Identifiers: ClinVar variation 4976589 (VCV004976589.1).
Genomic context (GRCh38, chr10:133,281,400, plus strand): 5'-GGTCCAGCAGGTGGGCTGAGAAGTTCTTGTCAAACTTGTTGATGGTGGCCTCGAAGCCGG[A>ACAC]CACCAGCTGCACAGTGTCTGCGTGCTCAGCCAGGTGCTGGAAAGAAAGCCGGGGTGCGTG-3'